The following is an entry in ClinVar:

NM_198428.3(BBS9):c.2562A>G (p.Arg854=)

Gene: BBS9 (Bardet-Biedl syndrome 9; plus strand). Cytogenetic location: 7p14.3.
Variant type: single nucleotide variant.
Coding change: c.2562A>G on transcript NM_198428.3 (MANE Select); coding-DNA position 2562, A replaced by G.
Protein change: p.Arg854=; no amino-acid change (arginine 854 retained).
Molecular consequence: synonymous variant. On other transcripts: non-coding transcript variant (3), intron variant (1).
Genome position (GRCh38, 1-based): chr7:33,604,905, A>G. VCF-style: chr7-33604905-A-G. GRCh37 (hg19) VCF-style: chr7-33644517-A-G.
Other names: c.2457A>G, p.Arg819= (NM_001033604.2); c.2547A>G, p.Arg849= (NM_001033605.2); c.2562A>G, p.Arg854= (NM_001348036.1, NM_001348041.4, NM_001348043.3 and 1 more transcripts); c.2013A>G, p.Arg671= (NM_001348037.3); c.2289A>G, p.Arg763= (NM_001348038.3); c.2184A>G, p.Arg728= (NM_001348039.3); c.2442A>G, p.Arg814= (NM_001348040.3, NM_014451.4); c.2427A>G, p.Arg809= (NM_001348042.3); and 4 more.
Identifiers: ClinVar variation 2138795 (VCV002138795.6), dbSNP rs763188644, ClinGen allele CA4214736.

ClinVar aggregate classification (germline): Likely benign. Review status: criteria provided, single submitter (1 of 4 stars). 2 submissions from 2 submitters: Likely benign (1). 1 of the submissions does not count toward it. Last evaluated 2025-10-24.

Conditions:
Bardet-Biedl syndrome (BBS). Identifiers: Orphanet 110, MedGen C0752166, MONDO:0015229.
BBS9-related disorder. Also called: BBS9-related condition.

Allele frequency attached by ClinVar (database versions not stated): ExAC 0.00001; gnomAD exomes 0.00001; TOPMed 0.00001.
gnomAD v4.1: 6 of 1,613,716 alleles (0.00037%); highest among the groups gnomAD compares: Admixed American, 0.01%; no homozygotes.

Submissions (2):

Labcorp Genetics (formerly Invitae), Labcorp
Classification: Likely benign for Bardet-Biedl syndrome. Last evaluated: 2025-10-24. Review status: criteria provided, single submitter. Criteria: Invitae Variant Classification Sherloc (09022015). Collection method: clinical testing. Allele origin: germline.

PreventionGenetics, part of Exact Sciences
Classification: Uncertain significance for BBS9-related condition. Last evaluated: 2023-11-29. Review status: no assertion criteria provided. Collection method: clinical testing. Allele origin: germline. Not counted in ClinVar's aggregate classification.
Comment: The BBS9 c.2562A>G variant is not predicted to result in an amino acid change (p.=). To our knowledge, this variant has not been reported in the literature. This variant is predicted to alter splicing based on available splicing prediction programs. However, the use of computer prediction programs is not equivalent to functional evidence. This variant is reported in 0.014% of alleles in individuals of Latino descent in gnomAD. At this time, the clinical significance of this variant is uncertain due to the absence of conclusive functional and genetic evidence.